The following is an entry in ClinVar:

NM_201384.3(PLEC):c.6385G>T (p.Ala2129Ser)

Gene: PLEC (plectin; minus strand). Cytogenetic location: 8q24.3.
Variant type: single nucleotide variant.
Coding change: c.6385G>T on transcript NM_201384.3 (MANE Select); coding-DNA position 6385, G replaced by T.
Protein change: p.Ala2129Ser; replaces alanine 2129 with serine.
Molecular consequence: missense variant.
Genome position (GRCh38, 1-based): chr8:143,923,544, C>A on the plus strand (G>T on the coding strand, the complement: PLEC is on the minus strand). VCF-style: chr8-143923544-C-A. GRCh37 (hg19) VCF-style: chr8-144997712-C-A.
Other names: c.6466G>T, p.Ala2156Ser (NM_000445.5); c.6343G>T, p.Ala2115Ser (NM_201378.4); c.6319G>T, p.Ala2107Ser (NM_201379.3); c.6796G>T, p.Ala2266Ser (NM_201380.4); c.6289G>T, p.Ala2097Ser (NM_201381.3); c.6385G>T, p.Ala2129Ser (NM_201382.4); c.6397G>T, p.Ala2133Ser (NM_201383.3); c.6466G>T (NM_000445.3); short protein forms A2097S, A2266S, A2129S, A2133S, A2107S, A2115S, A2156S.
Identifiers: ClinVar variation 471630 (VCV000471630.13), dbSNP rs782449012, ClinGen allele CA4926014.
Genomic context (GRCh38, chr8:143,923,544, plus strand): 5'-GCCGCGCCGCCTCTTGCTCGGCCTCCTTGCGCAGCTTCTCTGCAGCCGCCTGTGCCTGAG[C>A]CCGGGCCTGTGCCTGCTCCTCTGCCGACTGCTTCAGCCGCTCGGCCTCTTCCACCTGCCG-3'
Protein context (NP_958786.1, residues 2119-2139): QSAEEQAQAR[Ala2129Ser]QAQAAAEKLR

ClinVar aggregate classification (germline): Uncertain significance. Review status: criteria provided, multiple submitters, no conflicts (2 of 4 stars). 4 submissions from 4 submitters: Uncertain significance (4). Last evaluated 2026-07-14.

Conditions:
PLEC-related disorder. Also called: PLEC-related disorders; PLEC-related condition.
Autosomal recessive limb-girdle muscular dystrophy type 2Q (LGMDR17). Also called: MUSCULAR DYSTROPHY, LIMB-GIRDLE, AUTOSOMAL RECESSIVE 17. Identifiers: Orphanet 254361, MedGen C3150989, MONDO:0013390, OMIM 613723.
Epidermolysis bullosa simplex with nail dystrophy (EBS5D). Identifiers: MedGen C4225309, MONDO:0014661, OMIM 616487.
Epidermolysis bullosa simplex 5C, with pyloric atresia (EBS5C). Also called: PLEC-Related Epidermolysis Bullosa with Pyloric Atresia; Epidermolysis bullosa simplex with pyloric atresia; PLEC1-Related Epidermolysis Bullosa with Pyloric Atresia. Identifiers: Orphanet 158684, MedGen C2677349, MONDO:0012807, OMIM 612138.
Epidermolysis bullosa simplex, Ogna type (EBS5A). Also called: Pidermolysis bullosa simplex 5A, Ogna type; EPIDERMOLYSIS BULLOSA SIMPLEX 5A, OGNA TYPE. Identifiers: Orphanet 79401, MedGen C0432317, MONDO:0007555, OMIM 131950.
Epidermolysis bullosa simplex 5B, with muscular dystrophy (EBS5B). Also called: EPIDERMOLYSIS BULLOSA SIMPLEX AND LIMB-GIRDLE MUSCULAR DYSTROPHY; Epidermolysis bullosa simplex with muscular dystrophy. Identifiers: Orphanet 257, MedGen C2931072, MONDO:0009181, OMIM 226670.
Inborn genetic diseases. Identifiers: MedGen C0950123, MeSH D030342.

Allele frequency attached by ClinVar (database versions not stated): gnomAD exomes 0.00002 and 0.00008; ExAC 0.00005; TOPMed 0.00021; gnomAD 0.00022 and 0.00024.
gnomAD v4.1: 66 of 1,598,240 alleles (0.0041%); highest among the groups gnomAD compares: African/African-American, 0.078%; no homozygotes.

Submissions (4):

PreventionGenetics, part of Exact Sciences
Classification: Uncertain significance for PLEC-related condition. Last evaluated: 2026-07-14. Review status: criteria provided, single submitter. Criteria: ACMG Guidelines, 2015. Collection method: clinical testing. Allele origin: germline.
Comment: The PLEC c.6466G>T variant is predicted to result in the amino acid substitution p.Ala2156Ser. To our knowledge, this variant has not been reported in the literature. This variant is reported in 0.11% of alleles in individuals of African descent in gnomAD. Although we suspect that this variant may be benign, at this time, the clinical significance of this variant is uncertain due to the absence of conclusive functional and genetic evidence.

Labcorp Genetics (formerly Invitae), Labcorp
Classification: Uncertain significance for Autosomal recessive limb-girdle muscular dystrophy type 2Q; Epidermolysis bullosa simplex, Ogna type; Epidermolysis bullosa simplex with nail dystrophy; Epidermolysis bullosa simplex 5C, with pyloric atresia; Epidermolysis bullosa simplex 5B, with muscular dystrophy. Last evaluated: 2025-06-07. Review status: criteria provided, single submitter. Criteria: Invitae Variant Classification Sherloc (09022015). Collection method: clinical testing. Allele origin: germline.
Comment: This sequence change replaces alanine, which is neutral and non-polar, with serine, which is neutral and polar, at codon 2156 of the PLEC protein (p.Ala2156Ser). This variant is present in population databases (rs782449012, gnomAD 0.1%). This variant has not been reported in the literature in individuals affected with PLEC-related conditions. ClinVar contains an entry for this variant (Variation ID: 471630). An algorithm developed to predict the effect of missense changes on protein structure and function (PolyPhen-2) suggests that this variant is likely to be tolerated. In summary, the available evidence is currently insufficient to determine the role of this variant in disease. Therefore, it has been classified as a Variant of Uncertain Significance.

Revvity Omics, Revvity
Classification: Uncertain significance. Last evaluated: 2025-03-18. Review status: criteria provided, single submitter. Criteria: ACMG Guidelines, 2015. Collection method: clinical testing. Allele origin: germline.

Ambry Genetics
Classification: Uncertain significance for Inborn genetic diseases. Last evaluated: 2021-08-13. Review status: criteria provided, single submitter. Criteria: Ambry Variant Classification Scheme 2023. Collection method: clinical testing. Allele origin: germline.